The following is an entry in ClinVar:

NM_000760.4(CSF3R):c.886G>C (p.Gly296Arg)

Gene: CSF3R (colony stimulating factor 3 receptor; minus strand). Cytogenetic location: 1p34.3.
Variant type: single nucleotide variant.
Coding change: c.886G>C on transcript NM_000760.4 (MANE Select); coding-DNA position 886, G replaced by C.
Protein change: p.Gly296Arg; replaces glycine 296 with arginine.
Molecular consequence: missense variant.
Genome position (GRCh38, 1-based): chr1:36,472,349, C>G on the plus strand (G>C on the coding strand, the complement: CSF3R is on the minus strand). VCF-style: chr1-36472349-C-G. GRCh37 (hg19) VCF-style: chr1-36937950-C-G.
Other names: c.886G>C, p.Gly296Arg (NM_156039.3, NM_172313.3); short protein forms G296R.
Identifiers: ClinVar variation 2058173 (VCV002058173.4), dbSNP rs368300579, ClinGen allele CA339422455.

ClinVar aggregate classification (germline): Uncertain significance (1 of 4 stars; one submission).

Conditions:
Autosomal recessive severe congenital neutropenia due to CSF3R deficiency. Also called: Neutropenia, severe congenital, 7, autosomal recessive. Identifiers: Orphanet 420702, MedGen C4310764, MONDO:0014865, OMIM 617014.

Submission:

Labcorp Genetics (formerly Invitae), Labcorp
Classification: Uncertain significance for Autosomal recessive severe congenital neutropenia due to CSF3R deficiency. Last evaluated: 2024-10-25. Review status: criteria provided, single submitter. Criteria: Invitae Variant Classification Sherloc (09022015). Collection method: clinical testing. Allele origin: germline.
Comment: This sequence change replaces glycine, which is neutral and non-polar, with arginine, which is basic and polar, at codon 296 of the CSF3R protein (p.Gly296Arg). This variant is not present in population databases (gnomAD no frequency). This variant has not been reported in the literature in individuals affected with CSF3R-related conditions. ClinVar contains an entry for this variant (Variation ID: 2058173). Invitae Evidence Modeling of protein sequence and biophysical properties (such as structural, functional, and spatial information, amino acid conservation, physicochemical variation, residue mobility, and thermodynamic stability) indicates that this missense variant is not expected to disrupt CSF3R protein function with a negative predictive value of 80%. In summary, the available evidence is currently insufficient to determine the role of this variant in disease. Therefore, it has been classified as a Variant of Uncertain Significance.